The following is an entry in ClinVar:

ClinVar aggregate classification (germline): Pathogenic/Likely pathogenic. Review status: criteria provided, multiple submitters, no conflicts (2 of 4 stars). 5 submissions from 5 submitters: Pathogenic (2); Likely pathogenic (3). Last evaluated 2025-01-17.

Conditions:
Congenital microcephaly - severe encephalopathy - progressive cerebral atrophy syndrome. Also called: Asparagine synthetase deficiency; ASNS DEFICIENCY. Identifiers: Orphanet 391376, MedGen C3809971, MONDO:0014258, OMIM 615574.

Allele frequency attached by ClinVar (database versions not stated): TOPMed below 0.00001; gnomAD exomes 0.00001.

Submissions (5):

Natera, Inc.
Classification: Pathogenic for Asparagine synthetase deficiency. Last evaluated: 2025-01-17. Review status: criteria provided, single submitter. Criteria: Natera Variant Classification Schema (03/2026). Collection method: clinical testing. Allele origin: germline.
Comment: The c.706delA variant in ASNS is a frameshift variant predicted to shift the reading frame beginning at codon 236 and leads to a stop codon 8 codons downstream. This variant is expected to result in nonsense mediated decay, truncation, or a dysfunctional protein product. This variant is rare in the general population with a frequency below the threshold expected for the associated phenotype(s). This variant has been observed in one or more individuals affected with the associated recessive disease, as either homozygous or compound heterozygous with a second variant (PMID: 38685113). Given the available evidence, this variant is classified as Pathogenic.

Labcorp Genetics (formerly Invitae), Labcorp
Classification: Pathogenic. Last evaluated: 2024-08-09. Review status: criteria provided, single submitter. Criteria: Invitae Variant Classification Sherloc (09022015). Collection method: clinical testing. Allele origin: germline.
Comment: This sequence change creates a premature translational stop signal (p.Arg236Glyfs*8) in the ASNS gene. It is expected to result in an absent or disrupted protein product. Loss-of-function variants in ASNS are known to be pathogenic (PMID: 27422383, 30057589). This variant is not present in population databases (gnomAD no frequency). This variant has not been reported in the literature in individuals affected with ASNS-related conditions. ClinVar contains an entry for this variant (Variation ID: 1411238). For these reasons, this variant has been classified as Pathogenic.

Fulgent Genetics
Classification: Likely pathogenic for Congenital microcephaly - severe encephalopathy - progressive cerebral atrophy syndrome. Last evaluated: 2024-05-01. Review status: criteria provided, single submitter. Criteria: ACMG Guidelines, 2015. Collection method: clinical testing. Allele origin: germline.

Broad Center for Mendelian Genomics, Broad Institute of MIT and Harvard
Classification: Likely pathogenic for Congenital microcephaly - severe encephalopathy - progressive cerebral atrophy syndrome. Last evaluated: 2023-05-02. Review status: criteria provided, single submitter. Criteria: ACMG Guidelines, 2015. Collection method: curation. Allele origin: germline. Inheritance: Autosomal recessive inheritance.
Comment: Trio genome analysis revealed that this variant was in trans with a likely pathogenic variant. This variant has also been reported in ClinVar (Variation ID: 1411238) and has been interpreted as pathogenic by Invitae. This variant was absent from large population studies. This variant is predicted to cause a frameshift, which alters the protein‚Äôs amino acid sequence beginning at position 361 and leads to a premature termination codon 20 amino acids downstream. This alteration is then predicted to lead to a truncated or absent protein. Loss of function of the ASNS gene is an established disease mechanism in autosomal recessive asparagine synthetase deficiency. In summary, although additional studies are required to fully establish its clinical significance, this variant is likely pathogenic for autosomal recessive asparagine synthetase deficiency. ACMG/AMP Criteria applied: PVS1, PM2_Supporting (Richards 2015).

Laboratory for Molecular Medicine, Mass General Brigham Personalized Medicine
Classification: Likely pathogenic for Congenital microcephaly - severe encephalopathy - progressive cerebral atrophy syndrome. Last evaluated: 2022-07-20. Review status: criteria provided, single submitter. Criteria: ACMG Guidelines, 2015. Collection method: clinical testing. Allele origin: germline. Inheritance: Autosomal recessive inheritance.
Comment: The p.Arg236GlyfsX8 variant in ASNS has not been reported in the literature in individuals with asparagine synthetase deficiency, but was identified by the Broad Institute Rare Genomes Project in compound heterozygosity with a likely pathogenic variant in a child with Lennox-Gastaut syndrome, infantile spasms, microcephaly, hypoplasia/partial agenesis of the corpus callosum, and hypotonia. This variant was absent from large population studies. It has also been reported in ClinVar (Variation ID 1411238). This variant is predicted to cause a frameshift, which alters the protein’s amino acid sequence beginning at position 236 and leads to a premature termination codon 8 amino acids downstream. This alteration is then predicted to lead to a truncated or absent protein. Loss of function of the ASNS gene is an established disease mechanism in autosomal recessive asparagine synthetase deficiency. In summary, although additional studies are required to fully establish its clinical significance, this variant meets criteria to be classified as likely pathogenic for autosomal recessive asparagine synthetase deficiency. ACMG/AMP Criteria applied: PVS1, PM2_Supporting.

Literature cited by the submitters: PubMed 38685113 (cited by Natera, Inc.); PubMed 27422383 (cited by Labcorp Genetics (formerly Invitae), Labcorp); PubMed 30057589 (cited by Labcorp Genetics (formerly Invitae), Labcorp).

NM_001673.5(ASNS):c.706del (p.Arg236fs)

Genes: ASNS (asparagine synthetase (glutamine-hydrolyzing); minus strand), CZ1P-ASNS (CZ1P-ASNS readthrough; minus strand). Cytogenetic location: 7q21.3.
Variant type: Deletion.
Coding change: c.706del on transcript NM_001673.5 (MANE Select); coding-DNA position 706, one base deleted (A; older notation c.706delA).
Protein change: p.Arg236fs; shifts the reading frame from arginine 236.
Molecular consequence: frameshift variant. On other transcripts: non-coding transcript variant (1).
Genome position (GRCh38, 1-based): chr7:97,858,923, T deleted on the plus strand (A on the coding strand, the reverse complement: ASNS is on the minus strand). VCF-style (leftmost placement, unchanged base first): chr7-97858922-CT-C. GRCh37 (hg19) VCF-style: chr7-97488234-CT-C.
Other names: NM_001673.5(ASNS):c.706del; p.Arg236fs; c.706del, p.Arg236fs (NM_183356.4, NM_001352496.2, NM_133436.3); c.706delA (NM_133436.3); c.643del, p.Arg215fs (NM_001178075.2); c.457del, p.Arg153fs (NM_001178076.2, NM_001178077.1); short protein forms R236fs, R153fs, R215fs.
Identifiers: ClinVar variation 1411238 (VCV001411238.10), dbSNP rs1791584683, ClinGen allele CA456642962.
Genomic context (GRCh38, chr7:97,858,922, plus strand): 5'-AGGCAGCCAATCCTTCTGTCTGTCATCAAACGTTTCTTTACAGCATTATTAAAAAGGATC[CT>C]GAGGTTGTTCTTCACAGTTTCTATCTCAAAACCTATAAACACAGCAGTAAATCAAACAGC-3'